The following is an entry in ClinVar:

NM_001711.6(BGN):c.351+6G>A

Gene: BGN (biglycan; plus strand). Cytogenetic location: Xq28.
Variant type: single nucleotide variant.
Coding change: c.351+6G>A on transcript NM_001711.6 (MANE Select); 6 bases into the intron after coding-DNA position 351, G replaced by A.
Molecular consequence: intron variant.
Genome position (GRCh38, 1-based): chrX:153,505,356, G>A. VCF-style: chrX-153505356-G-A. GRCh37 (hg19) VCF-style: chrX-152770814-G-A.
Other names: c.351+6G>A (NM_001711.5).
Identifiers: ClinVar variation 1210102 (VCV001210102.15), dbSNP rs370838225, ClinGen allele CA10547194.
Genomic context (GRCh38, chrX:153,505,356, plus strand): 5'-CAACGACATCTCCGAGCTCCGCAAGGATGACTTCAAGGGTCTCCAGCACCTCTACGTAAG[G>A]AGCTGGGAGGAACCAGCAGGCCTACAGCAGAGGGCAGGGGTCCGGGTGGGTGCATGTGCG-3'

ClinVar aggregate classification (germline): Conflicting classifications of pathogenicity. Review status: criteria provided, conflicting classifications (1 of 4 stars). 8 submissions from 8 submitters: Uncertain significance (1); Benign (1); Likely benign (3). 3 of the submissions do not count toward it. Last evaluated 2026-01-04.

Conditions:
BGN-related disorder. Also called: BGN-related condition.

Allele frequency attached by ClinVar (database versions not stated): ExAC 0.00009; gnomAD exomes 0.00011 and 0.00022; TOPMed 0.00022; gnomAD 0.00024 and 0.00025; ESP Exome Variant Server 0.00038.
gnomAD v4.1: 262 of 1,190,082 alleles (0.022%); highest among the groups gnomAD compares: Non-Finnish European, 0.029%; 1 homozygote.

Submissions (8):

Labcorp Genetics (formerly Invitae), Labcorp
Classification: Uncertain significance. Last evaluated: 2026-01-04. Review status: criteria provided, single submitter. Criteria: Invitae Variant Classification Sherloc (09022015). Collection method: clinical testing. Allele origin: germline.
Comment: This sequence change falls in intron 3 of the BGN gene. It does not directly change the encoded amino acid sequence of the BGN protein. It affects a nucleotide within the consensus splice site. This variant is present in population databases (rs370838225, gnomAD 0.02%). This variant has not been reported in the literature in individuals affected with BGN-related conditions. ClinVar contains an entry for this variant (Variation ID: 1210102). Variants that disrupt the consensus splice site are a relatively common cause of aberrant splicing (PMID: 17576681, 9536098). Algorithms developed to predict the effect of sequence changes on RNA splicing suggest that this variant is not likely to affect RNA splicing. In summary, the available evidence is currently insufficient to determine the role of this variant in disease. Therefore, it has been classified as a Variant of Uncertain Significance.

Women's Health and Genetics/Laboratory Corporation of America, LabCorp
Classification: Benign. Last evaluated: 2025-02-03. Review status: criteria provided, single submitter. Criteria: LabCorp Variant Classification Summary - May 2015. Collection method: clinical testing. Allele origin: germline.

Blueprint Genetics
Classification: Likely benign. Last evaluated: 2024-08-30. Review status: criteria provided, single submitter. Criteria: ACMG Guidelines, 2015. Collection method: clinical testing. Allele origin: germline.

ARUP Laboratories, Molecular Genetics and Genomics, ARUP Laboratories
Classification: Likely benign. Last evaluated: 2024-07-03. Review status: criteria provided, single submitter. Criteria: ARUP Molecular Germline Variant Investigation Process 2024. Collection method: clinical testing. Allele origin: germline.

GeneDx
Classification: Likely benign. Last evaluated: 2021-03-15. Review status: criteria provided, single submitter. Criteria: GeneDx Variant Classification Process June 2021. Collection method: clinical testing. Allele origin: germline. Affected: yes.

PreventionGenetics, part of Exact Sciences
Classification: Likely benign for BGN-related condition. Last evaluated: 2021-01-04. Review status: no assertion criteria provided. Collection method: clinical testing. Allele origin: germline. Not counted in ClinVar's aggregate classification.
Comment: This variant is classified as likely benign based on ACMG/AMP sequence variant interpretation guidelines (Richards et al. 2015 PMID: 25741868, with internal and published modifications).

Genome Diagnostics Laboratory, Amsterdam University Medical Center
Classification: Likely benign. Review status: no assertion criteria provided. Collection method: clinical testing. Allele origin: germline. Affected: yes. Study: VKGL Data-share Consensus. Not counted in ClinVar's aggregate classification.

Genome Diagnostics Laboratory, University Medical Center Utrecht
Classification: Likely benign. Review status: no assertion criteria provided. Collection method: clinical testing. Allele origin: germline. Affected: yes. Study: VKGL Data-share Consensus. Not counted in ClinVar's aggregate classification.

Literature cited by the submitters: PubMed 17576681 (cited by Labcorp Genetics (formerly Invitae), Labcorp); PubMed 9536098 (cited by Labcorp Genetics (formerly Invitae), Labcorp).